The following is an entry in ClinVar:

ClinVar aggregate classification (germline): Benign. Review status: criteria provided, multiple submitters, no conflicts (2 of 4 stars). 3 submissions from 3 submitters: Benign (3). Last evaluated 2023-04-11.

Conditions:
Ichthyosis vulgaris. Also called: Dominant ichthyosis vulgaris; ICHTHYOSIS SIMPLEX. Identifiers: MedGen C0079584, MONDO:0024304, OMIM 146700.

Allele frequency attached by ClinVar (database versions not stated): ESP Exome Variant Server 0.13924; gnomAD 0.16950 and 0.18505; TOPMed 0.19486; gnomAD exomes 0.19756 and 0.26809; ExAC 0.25587; 1000 Genomes Project 30x 0.31871; 1000 Genomes Project 0.32768.
gnomAD v4.1: 319,019 of 1,613,544 alleles (20%); highest among the groups gnomAD compares: East Asian, 60%; 41,828 homozygotes.

Submissions (3):

Genome-Nilou Lab
Classification: Benign for Ichthyosis vulgaris. Last evaluated: 2023-04-11. Review status: criteria provided, single submitter. Criteria: ACMG Guidelines, 2015. Collection method: clinical testing. Allele origin: germline. Affected: no.

GeneDx
Classification: Benign. Last evaluated: 2016-07-05. Review status: criteria provided, single submitter. Criteria: GeneDx Variant Classification (06012015). Collection method: clinical testing. Allele origin: germline. Affected: yes.
Comment: This variant is considered likely benign or benign based on one or more of the following criteria: it is a conservative change, it occurs at a poorly conserved position in the protein, it is predicted to be benign by multiple in silico algorithms, and/or has population frequency not consistent with disease.

Breakthrough Genomics
Classification: Benign. Review status: criteria provided, single submitter. Criteria: ACMG Guidelines, 2015. Collection method: not provided. Allele origin: germline. Inheritance: Autosomal dominant inheritance. Affected: yes.

NM_002016.2(FLG):c.2263G>A (p.Glu755Lys)

Genes: FLG (filaggrin; minus strand), CCDST (cervical cancer associated DHX9 suppressive transcript; plus strand). Cytogenetic location: 1q21.3.
Variant type: single nucleotide variant.
Coding change: c.2263G>A on transcript NM_002016.2 (MANE Select); coding-DNA position 2263, G replaced by A.
Protein change: p.Glu755Lys; replaces glutamic acid 755 with lysine.
Molecular consequence: missense variant.
Genome position (GRCh38, 1-based): chr1:152,312,623, C>T on the plus strand (G>A on the coding strand, the complement: FLG is on the minus strand). VCF-style: chr1-152312623-C-T. GRCh37 (hg19) VCF-style: chr1-152285099-C-T.
Other names: short protein forms E755K.
Identifiers: ClinVar variation 377878 (VCV000377878.3), dbSNP rs74129461, ClinGen allele CA1107260.